The following is an entry in ClinVar:

NM_005909.5(MAP1B):c.66G>A (p.Ala22=)

Gene: MAP1B (microtubule associated protein 1B; plus strand). Cytogenetic location: 5q13.2.
Variant type: single nucleotide variant.
Coding change: c.66G>A on transcript NM_005909.5 (MANE Select); coding-DNA position 66, G replaced by A.
Protein change: p.Ala22=; no amino-acid change (alanine 22 retained).
Molecular consequence: synonymous variant.
Genome position (GRCh38, 1-based): chr5:72,107,597, G>A. VCF-style: chr5-72107597-G-A. GRCh37 (hg19) VCF-style: chr5-71403424-G-A.
Identifiers: ClinVar variation 3046013 (VCV003046013.3), dbSNP rs372802132, ClinGen allele CA3298383.
Genomic context (GRCh38, chr5:72,107,597, plus strand): 5'-GACCGTGGTGGTGGAAGCCACCGAGCCGGAGCCGTCCGGCAGCATCGCCAACCCGGCGGC[G>A]TCCACCTCGCCTAGCCTGTCGCACCGCTTCCTTGACAGCAAGTTCTACTTGCTGGTGGTC-3'
Protein context (NP_005900.2, residues 12-32): EPSGSIANPA[Ala22=]STSPSLSHRF

ClinVar aggregate classification (germline): Likely benign. Review status: criteria provided, single submitter (1 of 4 stars). 2 submissions from 2 submitters: Likely benign (1). 1 of the submissions does not count toward it. Last evaluated 2026-08-01.

Conditions:
MAP1B-related disorder. Also called: MAP1B-related condition.

Allele frequency attached by ClinVar (database versions not stated): 1000 Genomes Project 0.00020; 1000 Genomes Project 30x 0.00031; ESP Exome Variant Server 0.00038; TOPMed 0.00066; gnomAD 0.00068; ExAC 0.00104; gnomAD exomes 0.00108.
gnomAD v4.1: 1,626 of 1,594,928 alleles (0.1%); highest among the groups gnomAD compares: Non-Finnish European, 0.13%; 3 homozygotes.

Submissions (2):

CeGaT Center for Human Genetics Tuebingen
Classification: Likely benign. Last evaluated: 2026-08-01. Review status: criteria provided, single submitter. Criteria: CeGaT Center For Human Genetics Tuebingen Variant Classification Criteria Version 2. Collection method: clinical testing. Allele origin: germline. Affected: yes. Observed: 1 variant allele.
Comment: MAP1B: BP4, BP7, BS1

PreventionGenetics, part of Exact Sciences
Classification: Likely benign for MAP1B-related condition. Last evaluated: 2019-10-28. Review status: no assertion criteria provided. Collection method: clinical testing. Allele origin: germline. Not counted in ClinVar's aggregate classification.
Comment: This variant is classified as likely benign based on ACMG/AMP sequence variant interpretation guidelines (Richards et al. 2015 PMID: 25741868, with internal and published modifications).